The following is an entry in ClinVar:

ClinVar aggregate classification (germline): Uncertain significance (1 of 4 stars; one submission).

gnomAD v4.1: 18 of 1,604,964 alleles (0.0011%); highest among the groups gnomAD compares: Non-Finnish European, 0.0014%; no homozygotes.

Submission:

Labcorp Genetics (formerly Invitae), Labcorp
Classification: Uncertain significance. Last evaluated: 2025-04-17. Review status: criteria provided, single submitter. Criteria: Invitae Variant Classification Sherloc (09022015). Collection method: clinical testing. Allele origin: germline.
Comment: This sequence change replaces phenylalanine, which is neutral and non-polar, with serine, which is neutral and polar, at codon 472 of the ROBO1 protein (p.Phe472Ser). This variant is present in population databases (rs747717206, gnomAD 0.005%). This variant has not been reported in the literature in individuals affected with ROBO1-related conditions. ClinVar contains an entry for this variant (Variation ID: 2045012). Invitae Evidence Modeling of protein sequence and biophysical properties (such as structural, functional, and spatial information, amino acid conservation, physicochemical variation, residue mobility, and thermodynamic stability) indicates that this missense variant is not expected to disrupt ROBO1 protein function with a negative predictive value of 95%. In summary, the available evidence is currently insufficient to determine the role of this variant in disease. Therefore, it has been classified as a Variant of Uncertain Significance.

NM_002941.4(ROBO1):c.1415T>C (p.Phe472Ser)

Gene: ROBO1 (roundabout guidance receptor 1; minus strand). Cytogenetic location: 3p12.3.
Variant type: single nucleotide variant.
Coding change: c.1415T>C on transcript NM_002941.4 (MANE Select); coding-DNA position 1415, T replaced by C.
Protein change: p.Phe472Ser; replaces phenylalanine 472 with serine.
Molecular consequence: missense variant.
Genome position (GRCh38, 1-based): chr3:78,670,229, A>G on the plus strand (T>C on the coding strand, the complement: ROBO1 is on the minus strand). VCF-style: chr3-78670229-A-G. GRCh37 (hg19) VCF-style: chr3-78719379-A-G.
Other names: c.1307T>C, p.Phe436Ser (NM_001145844.1, NM_001145845.2, NM_133631.4); short protein forms F472S, F436S.
Identifiers: ClinVar variation 2045012 (VCV002045012.4), dbSNP rs747717206, ClinGen allele CA2498965.
Genomic context (GRCh38, chr3:78,670,229, plus strand): 5'-CCATCCTTTCTCCACAGAATGGTGGGCACTGGACTGCCTGTGGCCACACAGCTGAGGACG[A>G]AAGTGCCATCCACGGCTACAGTCTGATTCACAGGACCTTGTCGAATAACTGGGGGAGGCC-3'
Protein context (NP_002932.1, residues 462-482): VNQTVAVDGT[Phe472Ser]VLSCVATGSP